The following is an entry in ClinVar:

NM_000023.4(SGCA):c.158-1G>A

Gene: SGCA (sarcoglycan alpha; plus strand). Cytogenetic location: 17q21.33.
Variant type: single nucleotide variant.
Coding change: c.158-1G>A on transcript NM_000023.4 (MANE Select); the canonical splice acceptor site of the intron before coding-DNA position 158, G replaced by A.
Molecular consequence: splice acceptor variant.
Genome position (GRCh38, 1-based): chr17:50,167,581, G>A. VCF-style: chr17-50167581-G-A. GRCh37 (hg19) VCF-style: chr17-48244942-G-A.
Other names: c.158-1G>A (NM_001135697.3).
Identifiers: ClinVar variation 5004916 (VCV005004916.1).
Genomic context (GRCh38, chr17:50,167,581, plus strand): 5'-CTGGGGTGTACCCCGCAGGGCTCCTGCTGTGACTCGAATCCCCTCTCCTCGCTTCCACCA[G>A]CTGTCCCACCCGCTGTCCACATCACCTACCACGCCCACCTCCAGGGACACCCAGACCTGC-3'

ClinVar aggregate classification (germline): Likely pathogenic (1 of 4 stars; one submission).

Conditions:
Autosomal recessive limb-girdle muscular dystrophy type 2D (LGMDR3). Also called: DUCHENNE-LIKE AUTOSOMAL RECESSIVE MUSCULAR DYSTROPHY, TYPE 2; MUSCULAR DYSTROPHY, LIMB-GIRDLE, AUTOSOMAL RECESSIVE 3; ADHALINOPATHY, PRIMARY. Identifiers: Orphanet 62, MedGen C2936332, MONDO:0011968, OMIM 608099. Disease mechanism: Affects gamma-sarcoglycan and also disrupts the integrity of the entire sarcoglycan complex..

Submission:

Myriad Genetics, Inc.
Classification: Likely pathogenic for Autosomal recessive limb-girdle muscular dystrophy type 2D. Last evaluated: 2026-06-23. Review status: criteria provided, single submitter. Criteria: Myriad Autosomal Dominant, Autosomal Recessive and X-Linked Classification Criteria (2023). Collection method: clinical testing. Allele origin: unknown.
Comment: NM_000023.2(SGCA):c.158-1G>A is a variant in a canonical splice site classified as likely pathogenic in the context of alpha-sarcoglycanopathy. c.158-1G>A has not been observed in cases with relevant disease. Relevant functional assessments of this variant are not available in the literature. c.158-1G>A has not been observed in referenced population frequency databases. In summary, NM_000023.2(SGCA):c.158-1G>A is a variant in a canonical splice site in a gene where loss of function is a known mechanism of disease and is predicted to disrupt protein function. Please note: this variant was assessed in the context of healthy population screening.